The following is an entry in ClinVar:

ClinVar aggregate classification (germline): Uncertain significance (1 of 4 stars; one submission).

Allele frequency attached by ClinVar (database versions not stated): TOPMed below 0.00001.

Submission:

Labcorp Genetics (formerly Invitae), Labcorp
Classification: Uncertain significance. Last evaluated: 2021-09-19. Review status: criteria provided, single submitter. Criteria: Invitae Variant Classification Sherloc (09022015). Collection method: clinical testing. Allele origin: germline.
Comment: This variant is not present in population databases (ExAC no frequency). This sequence change replaces alanine with valine at codon 2259 of the PCLO protein (p.Ala2259Val). The alanine residue is weakly conserved and there is a small physicochemical difference between alanine and valine. This variant has not been reported in the literature in individuals affected with PCLO-related conditions. In summary, the available evidence is currently insufficient to determine the role of this variant in disease. Therefore, it has been classified as a Variant of Uncertain Significance. Algorithms developed to predict the effect of missense changes on protein structure and function output the following: SIFT: "Tolerated"; PolyPhen-2: "Not Available"; Align-GVGD: "Class C0". The valine amino acid residue is found in multiple mammalian species, which suggests that this missense change does not adversely affect protein function.

NM_033026.6(PCLO):c.6776C>T (p.Ala2259Val)

Gene: PCLO (piccolo presynaptic cytomatrix protein; minus strand). Cytogenetic location: 7q21.11.
Variant type: single nucleotide variant.
Coding change: c.6776C>T on transcript NM_033026.6 (MANE Select); coding-DNA position 6776, C replaced by T.
Protein change: p.Ala2259Val; replaces alanine 2259 with valine.
Molecular consequence: missense variant.
Genome position (GRCh38, 1-based): chr7:82,954,177, G>A on the plus strand (C>T on the coding strand, the complement: PCLO is on the minus strand). VCF-style: chr7-82954177-G-A. GRCh37 (hg19) VCF-style: chr7-82583493-G-A.
Other names: c.6776C>T, p.Ala2259Val (NM_014510.3); short protein forms A2259V.
Identifiers: ClinVar variation 1491714 (VCV001491714.6), dbSNP rs1795445397, ClinGen allele CA367918373.
Genomic context (GRCh38, chr7:82,954,177, plus strand): 5'-GGTACTACAGATTCTATGATAGAAGATGCCATATCAGATAAGGAAATAACAATATGATCA[G>A]CACTAGCTCTACCATCTGGTGGGGCAGTCCGATCTAAAGATACACTTATTTCTTCTGGAT-3'
Protein context (NP_149015.2, residues 2249-2269): RTAPPDGRAS[Ala2259Val]DHIVISLSDM